The following is an entry in ClinVar:

NM_000444.6(PHEX):c.1482+2T>G

Genes: PHEX (phosphate regulating endopeptidase X-linked; plus strand), PHEX-AS1 (PHEX antisense RNA 1; minus strand). Cytogenetic location: Xp22.11.
Variant type: single nucleotide variant.
Coding change: c.1482+2T>G on transcript NM_000444.6 (MANE Select); the canonical splice donor site of the intron after coding-DNA position 1482, T replaced by G.
Molecular consequence: splice donor variant.
Genome position (GRCh38, 1-based): chrX:22,168,391, T>G. VCF-style: chrX-22168391-T-G. GRCh37 (hg19) VCF-style: chrX-22186508-T-G.
Other names: c.1482+2T>G (NM_001282754.2).
Identifiers: ClinVar variation 942929 (VCV000942929.11), dbSNP rs1933408913, ClinGen allele CA412574119.
Genomic context (GRCh38, chrX:22,168,391, plus strand): 5'-AAGTTGGCTATCCAGAGTTTATAATGAATGATACTCATGTTAATGAAGACCTCAAAGCTG[T>G]AAGTGCTAAATTTACTGTACTTTTTTTTTTCTGGCAAGTTTTACTGGCCTTGTGCCTTTC-3'

ClinVar aggregate classification (germline): Pathogenic (1 of 4 stars; one submission).

Submissions (2):

Labcorp Genetics (formerly Invitae), Labcorp
Classification: Pathogenic. Last evaluated: 2019-09-28. Review status: criteria provided, single submitter. Criteria: Invitae Variant Classification Sherloc (09022015). Collection method: clinical testing. Allele origin: germline.
Comment: For these reasons, this variant has been classified as Pathogenic. Donor and acceptor splice site variants typically lead to a loss of protein function (PMID: 16199547), and loss-of-function variants in PHEX are known to be pathogenic (PMID: 9097956, 9106524, 19219621). Algorithms developed to predict the effect of sequence changes on RNA splicing suggest that this variant may disrupt the consensus splice site, but this prediction has not been confirmed by published transcriptional studies. Disruption of this splice site has been observed in individuals affected with hypophosphatemic rickets (PMID: 9768674, 11502829, 23079138). This variant is not present in population databases (ExAC no frequency). This sequence change affects a donor splice site in intron 13 of the PHEX gene. It is expected to disrupt RNA splicing and likely results in an absent or disrupted protein product.

Dr. Peter K. Rogan Lab, Western University
No classification provided (evidence only). Condition: Nonpapillary renal cell carcinoma. Review status: no classification provided. Collection method: in vitro. Allele origin: not applicable. Functional consequence: retained intron. Not counted in ClinVar's aggregate classification.

Literature cited by the submitters: PubMed 16199547 (cited by Labcorp Genetics (formerly Invitae), Labcorp); PubMed 9097956 (cited by Labcorp Genetics (formerly Invitae), Labcorp); PubMed 9106524 (cited by Labcorp Genetics (formerly Invitae), Labcorp); PubMed 19219621 (cited by Labcorp Genetics (formerly Invitae), Labcorp); PubMed 9768674 (cited by Labcorp Genetics (formerly Invitae), Labcorp); PubMed 11502829 (cited by Labcorp Genetics (formerly Invitae), Labcorp); PubMed 23079138 (cited by Labcorp Genetics (formerly Invitae), Labcorp).